The following is an entry in ClinVar:

NM_012210.4(TRIM32):c.968G>T (p.Arg323Ile)

Genes: ASTN2 (astrotactin 2; minus strand), TRIM32 (tripartite motif containing 32; plus strand). Cytogenetic location: 9q33.1.
Variant type: single nucleotide variant.
Coding change: c.968G>T on transcript NM_012210.4 (MANE Select); coding-DNA position 968, G replaced by T.
Protein change: p.Arg323Ile; replaces arginine 323 with isoleucine.
Molecular consequence: missense variant. On other transcripts: intron variant (3).
Genome position (GRCh38, 1-based): chr9:116,698,710, G>T. VCF-style: chr9-116698710-G-T. GRCh37 (hg19) VCF-style: chr9-119460989-G-T.
Other names: c.968G>T, p.Arg323Ile (NM_001099679.2, NM_001379048.1, NM_001379049.1 and 1 more transcripts); c.2653+27061C>A (NM_014010.5); c.2794+27061C>A (NM_001365069.1); c.2806+27061C>A (NM_001365068.1); short protein forms R323I.
Identifiers: ClinVar variation 3353614 (VCV003353614.1).

ClinVar aggregate classification (germline): Uncertain significance (0 of 4 stars; one submission).

Conditions:
TRIM32-related disorder. Also called: TRIM32-related condition.

Submission:

PreventionGenetics, part of Exact Sciences
Classification: Uncertain significance for TRIM32-related condition. Last evaluated: 2024-09-03. Review status: no assertion criteria provided. Collection method: clinical testing. Allele origin: germline.
Comment: The TRIM32 c.968G>T variant is predicted to result in the amino acid substitution p.Arg323Ile. To our knowledge, this variant has not been reported in the literature or in a large population database, indicating this variant is rare. At this time, the clinical significance of this variant is uncertain due to the absence of conclusive functional and genetic evidence.